The following is an entry in ClinVar:

ClinVar aggregate classification (germline): Uncertain significance (1 of 4 stars; one submission).

Conditions:
Leigh syndrome (NULS). Also called: Leigh's syndrome; Leigh's necrotizing encephalopathy; Leigh's disease; Leigh Syndrome (mtDNA deletion); Leigh Disease; Subacute necrotizing encephalopathy. Identifiers: Orphanet 506, MedGen C2931891, MONDO:0009723, OMIM 256000.

Allele frequency attached by ClinVar (database versions not stated): gnomAD exomes below 0.00001.

Submission:

Labcorp Genetics (formerly Invitae), Labcorp
Classification: Uncertain significance for Leigh syndrome. Last evaluated: 2017-08-08. Review status: criteria provided, single submitter. Criteria: Invitae Variant Classification Sherloc (09022015). Collection method: clinical testing. Allele origin: germline.
Comment: This variant has not been reported in the literature in individuals with SURF1-related disease. In summary, the available evidence is currently insufficient to determine the role of this variant in disease. Therefore, it has been classified as a Variant of Uncertain Significance. Algorithms developed to predict the effect of sequence changes on RNA splicing suggest that this variant may create or strengthen a splice site, but this prediction has not been confirmed by published transcriptional studies. This variant is not present in population databases (ExAC no frequency). This sequence change falls in intron 4 of the SURF1 gene. It does not directly change the encoded amino acid sequence of the SURF1 protein.

NM_003172.4(SURF1):c.324-10_324-9insAGA

Gene: SURF1 (SURF1 cytochrome c oxidase assembly factor; minus strand). Cytogenetic location: 9q34.2.
Variant type: Insertion.
Coding change: c.324-10_324-9insAGA on transcript NM_003172.4 (MANE Select); 10 bases into the intron before coding-DNA position 324 through 9 bases into the intron before coding-DNA position 324, AGA inserted.
Molecular consequence: intron variant.
Genome position: GRCh38 VCF-style: chr9-133353949-A-ATCT. GRCh37 (hg19) VCF-style: chr9-136220804-A-ATCT.
Other names: c.-4-10_-4-9insAGA (NM_001280787.1).
Identifiers: ClinVar variation 526794 (VCV000526794.6), dbSNP rs1299986010, ClinGen allele CA658797341.